The following is an entry in ClinVar:

ClinVar aggregate classification (germline): Pathogenic (1 of 4 stars; one submission).

Conditions:
Neurofibromatosis, type 1 (NF1). Also called: VON RECKLINGHAUSEN DISEASE; Peripheral type neurofibromatosis; NEUROFIBROMATOSIS, TYPE I, SOMATIC; Neurofibromatosis, type I. Identifiers: Orphanet 636, MedGen C0027831, MONDO:0018975, OMIM 162200. Disease mechanism: loss of function.

Submission:

Labcorp Genetics (formerly Invitae), Labcorp
Classification: Pathogenic for Neurofibromatosis, type 1. Last evaluated: 2020-05-30. Review status: criteria provided, single submitter. Criteria: Invitae Variant Classification Sherloc (09022015). Collection method: clinical testing. Allele origin: germline.
Comment: This sequence change creates a premature translational stop signal (p.Gln1336*) in the NF1 gene. It is expected to result in an absent or disrupted protein product. For these reasons, this variant has been classified as Pathogenic. Loss-of-function variants in NF1 are known to be pathogenic (PMID: 10712197, 23913538). This variant has been observed in individual(s) with neurofibromatosis type 1 (PMID: 10712197). This variant is not present in population databases (ExAC no frequency).

Literature cited by the submitters: PubMed 10712197; PubMed 23913538.

NM_001042492.3(NF1):c.4006C>T (p.Gln1336Ter)

Gene: NF1 (neurofibromin 1; plus strand). Cytogenetic location: 17q11.2.
Variant type: single nucleotide variant.
Coding change: c.4006C>T on transcript NM_001042492.3 (MANE Select); coding-DNA position 4006, C replaced by T.
Protein change: p.Gln1336Ter; replaces glutamine 1336 with a stop codon.
Molecular consequence: nonsense.
Genome position (GRCh38, 1-based): chr17:31,249,015, C>T. VCF-style: chr17-31249015-C-T. GRCh37 (hg19) VCF-style: chr17-29576033-C-T.
Other names: c.4006C>T, p.Gln1336Ter (NM_000267.4); short protein forms Q1336*.
Identifiers: ClinVar variation 1073775 (VCV001073775.5), dbSNP rs2151451369, ClinGen allele CA398994877.